The following is an entry in ClinVar:

ClinVar aggregate classification (germline): Uncertain significance (1 of 4 stars; one submission).

Submission:

Labcorp Genetics (formerly Invitae), Labcorp
Classification: Uncertain significance. Last evaluated: 2022-10-17. Review status: criteria provided, single submitter. Criteria: Invitae Variant Classification Sherloc (09022015). Collection method: clinical testing. Allele origin: germline.
Comment: ClinVar contains an entry for this variant (Variation ID: 1493634). In summary, the available evidence is currently insufficient to determine the role of this variant in disease. Therefore, it has been classified as a Variant of Uncertain Significance. Advanced modeling of protein sequence and biophysical properties (such as structural, functional, and spatial information, amino acid conservation, physicochemical variation, residue mobility, and thermodynamic stability) performed at Invitae indicates that this missense variant is not expected to disrupt ADCY5 protein function. This variant has not been reported in the literature in individuals affected with ADCY5-related conditions. This variant is not present in population databases (gnomAD no frequency). This sequence change replaces glutamine, which is neutral and polar, with lysine, which is basic and polar, at codon 1118 of the ADCY5 protein (p.Gln1118Lys).

NM_183357.3(ADCY5):c.3352C>A (p.Gln1118Lys)

Gene: ADCY5 (adenylate cyclase 5; minus strand). Cytogenetic location: 3q21.1.
Variant type: single nucleotide variant.
Coding change: c.3352C>A on transcript NM_183357.3 (MANE Select); coding-DNA position 3352, C replaced by A.
Protein change: p.Gln1118Lys; replaces glutamine 1118 with lysine.
Molecular consequence: missense variant.
Genome position (GRCh38, 1-based): chr3:123,289,930, G>T on the plus strand (C>A on the coding strand, the complement: ADCY5 is on the minus strand). VCF-style: chr3-123289930-G-T. GRCh37 (hg19) VCF-style: chr3-123008777-G-T.
Other names: c.2302C>A, p.Gln768Lys (NM_001199642.1); c.3427C>A, p.Gln1143Lys (NM_001378259.1); short protein forms Q768K, Q1118K, Q1143K.
Identifiers: ClinVar variation 1493634 (VCV001493634.8), dbSNP rs1553717166, ClinGen allele CA354223248.